The following is an entry in ClinVar:

ClinVar aggregate classification (germline): Uncertain significance. Review status: criteria provided, multiple submitters, no conflicts (2 of 4 stars). 2 submissions from 2 submitters: Uncertain significance (2). Last evaluated 2025-07-03.

Conditions:
Hereditary cancer-predisposing syndrome. Also called: Tumor predisposition; Hereditary neoplastic syndrome; Neoplastic Syndromes, Hereditary; Hereditary Cancer Syndrome. Identifiers: Orphanet 140162, MedGen C0027672, MeSH D009386, MONDO:0015356.
Mitochondrial complex II deficiency, nuclear type 1. Also called: SUCCINATE CoQ REDUCTASE DEFICIENCY. Identifiers: Orphanet 3208, MedGen C5700310, MONDO:0100294, OMIM 252011.
Pheochromocytoma/paraganglioma syndrome 5. Also called: Paragangliomas 5; SDHA-Related Hereditary Paraganglioma-Pheochromocytoma Syndrome. Identifiers: Orphanet 29072, MedGen C3279992, MONDO:0013602, OMIM 614165.

Allele frequency attached by ClinVar (database versions not stated): gnomAD exomes below 0.00001.
gnomAD v4.1: 3 of 1,613,980 alleles (0.00019%); highest among the groups gnomAD compares: Non-Finnish European, 0.00025%; no homozygotes.

Submissions (2):

Labcorp Genetics (formerly Invitae), Labcorp
Classification: Uncertain significance for Pheochromocytoma/paraganglioma syndrome 5; Mitochondrial complex II deficiency, nuclear type 1. Last evaluated: 2025-07-03. Review status: criteria provided, single submitter. Criteria: Invitae Variant Classification Sherloc (09022015). Collection method: clinical testing. Allele origin: germline.
Comment: This sequence change replaces glycine, which is neutral and non-polar, with serine, which is neutral and polar, at codon 590 of the SDHA protein (p.Gly590Ser). This variant is not present in population databases (gnomAD no frequency). This missense change has been observed in individual(s) with pheochromocytoma or paraganglioma (PMID: 30201732). ClinVar contains an entry for this variant (Variation ID: 1018088). Invitae Evidence Modeling of protein sequence and biophysical properties (such as structural, functional, and spatial information, amino acid conservation, physicochemical variation, residue mobility, and thermodynamic stability) indicates that this missense variant is expected to disrupt SDHA protein function with a positive predictive value of 95%. In summary, the available evidence is currently insufficient to determine the role of this variant in disease. Therefore, it has been classified as a Variant of Uncertain Significance.

Ambry Genetics
Classification: Uncertain significance for Hereditary cancer-predisposing syndrome. Last evaluated: 2024-08-23. Review status: criteria provided, single submitter. Criteria: Ambry Variant Classification Scheme 2023. Collection method: clinical testing. Allele origin: germline.
Comment: The p.G590S variant (also known as c.1768G>A), located in coding exon 13 of the SDHA gene, results from a G to A substitution at nucleotide position 1768. The glycine at codon 590 is replaced by serine, an amino acid with similar properties. This amino acid position is highly conserved in available vertebrate species. In addition, this alteration is predicted to be deleterious by in silico analysis. Based on the available evidence, the clinical significance of this variant remains unclear.

Literature cited by the submitters: PubMed 30201732 (cited by Labcorp Genetics (formerly Invitae), Labcorp).

NM_004168.4(SDHA):c.1768G>A (p.Gly590Ser)

Gene: SDHA (succinate dehydrogenase complex flavoprotein subunit A; plus strand). Cytogenetic location: 5p15.33.
Variant type: single nucleotide variant.
Coding change: c.1768G>A on transcript NM_004168.4 (MANE Select); coding-DNA position 1768, G replaced by A.
Protein change: p.Gly590Ser; replaces glycine 590 with serine.
Molecular consequence: missense variant. On other transcripts: intron variant (1).
Genome position (GRCh38, 1-based): chr5:251,442, G>A. VCF-style: chr5-251442-G-A. GRCh37 (hg19) VCF-style: chr5-251557-G-A.
Other names: c.1768G>A (NM_004168.2); c.1624G>A, p.Gly542Ser (NM_001294332.2); c.1552-2951G>A (NM_001330758.2); short protein forms G542S, G590S.
Identifiers: ClinVar variation 1018088 (VCV001018088.10), dbSNP rs1736825032, ClinGen allele CA359000347.
Genomic context (GRCh38, chr5:251,442, plus strand): 5'-AACCTGATGCTGTGTGCGCTGCAGACCATCTACGGAGCAGAGGCACGGAAGGAGTCACGG[G>A]GCGCGCATGCCAGGGAAGACTACAAGGTGGGCCTTCTCACCACGCCCACCTGCACCTGCC-3'
Protein context (NP_004159.2, residues 580-600): YGAEARKESR[Gly590Ser]AHAREDYKVR